The following is an entry in ClinVar:

ClinVar aggregate classification (germline): Uncertain significance. Review status: criteria provided, multiple submitters, no conflicts (2 of 4 stars). 2 submissions from 2 submitters: Uncertain significance (2). Last evaluated 2025-02-27.

Conditions:
Familial thoracic aortic aneurysm and aortic dissection (TAAD). Also called: Thoracic aortic aneurysms and dissections. Identifiers: Orphanet 91387, MedGen C4707243, MONDO:0019625.
Aortic aneurysm, familial thoracic 8 (AAT8). Identifiers: MedGen C3809513, MONDO:0014187, OMIM 615436.

Allele frequency attached by ClinVar (database versions not stated): gnomAD 0.00001.
gnomAD v4.1: 4 of 1,612,946 alleles (0.00025%); highest among the groups gnomAD compares: East Asian, 0.0089%; no homozygotes.

Submissions (2):

Ambry Genetics
Classification: Uncertain significance for Familial thoracic aortic aneurysm and aortic dissection. Last evaluated: 2025-02-27. Review status: criteria provided, single submitter. Criteria: Ambry Variant Classification Scheme 2023. Collection method: clinical testing. Allele origin: germline.
Comment: The p.C328S variant (also known as c.982T>A), located in coding exon 8 of the PRKG1 gene, results from a T to A substitution at nucleotide position 982. The cysteine at codon 328 is replaced by serine, an amino acid with dissimilar properties. This amino acid position is conserved. In addition, this alteration is predicted to be deleterious by in silico analysis. Based on the available evidence, the clinical significance of this variant remains unclear.

Labcorp Genetics (formerly Invitae), Labcorp
Classification: Uncertain significance for Aortic aneurysm, familial thoracic 8. Last evaluated: 2023-07-14. Review status: criteria provided, single submitter. Criteria: Invitae Variant Classification Sherloc (09022015). Collection method: clinical testing. Allele origin: germline.
Comment: In summary, the available evidence is currently insufficient to determine the role of this variant in disease. Therefore, it has been classified as a Variant of Uncertain Significance. An algorithm developed to predict the effect of missense changes on protein structure and function (PolyPhen-2) suggests that this variant is likely to be disruptive. This variant has not been reported in the literature in individuals affected with PRKG1-related conditions. This variant is present in population databases (no rsID available, gnomAD 0.02%). This sequence change replaces cysteine, which is neutral and slightly polar, with serine, which is neutral and polar, at codon 328 of the PRKG1 protein (p.Cys328Ser).

NM_006258.4(PRKG1):c.982T>A (p.Cys328Ser)

Gene: PRKG1 (protein kinase cGMP-dependent 1; plus strand). Cytogenetic location: 10q21.1.
Variant type: single nucleotide variant.
Coding change: c.982T>A on transcript NM_006258.4 (MANE Select); coding-DNA position 982, T replaced by A.
Protein change: p.Cys328Ser; replaces cysteine 328 with serine.
Molecular consequence: missense variant. On other transcripts: 5 prime UTR variant (1).
Genome position (GRCh38, 1-based): chr10:52,133,886, T>A. VCF-style: chr10-52133886-T-A. GRCh37 (hg19) VCF-style: chr10-53893646-T-A.
Other names: c.937T>A, p.Cys313Ser (NM_001098512.3); c.-228T>A (NM_001374781.1); c.982T>A (NM_006258.3); short protein forms C313S, C328S.
Identifiers: ClinVar variation 2915689 (VCV002915689.4), dbSNP rs773803945, ClinGen allele CA376534373.